The following is an entry in ClinVar:

NM_000540.3(RYR1):c.3552G>A (p.Gly1184=)

Gene: RYR1 (ryanodine receptor 1; plus strand). Cytogenetic location: 19q13.2.
Variant type: single nucleotide variant.
Coding change: c.3552G>A on transcript NM_000540.3 (MANE Select); coding-DNA position 3552, G replaced by A.
Protein change: p.Gly1184=; no amino-acid change (glycine 1184 retained).
Molecular consequence: synonymous variant.
Genome position (GRCh38, 1-based): chr19:38,469,136, G>A. VCF-style: chr19-38469136-G-A. GRCh37 (hg19) VCF-style: chr19-38959776-G-A.
Other names: c.3552G>A, p.Gly1184= (NM_001042723.2).
Identifiers: ClinVar variation 3073368 (VCV003073368.1), dbSNP rs1968280604, ClinGen allele CA507352915.

ClinVar aggregate classification (germline): Likely benign (1 of 4 stars; one submission).

Conditions:
Malignant hyperthermia, susceptibility to, 1 (MHS1). Also called: Anesthesia related hyperthermia; Malignant hyperpyrexia; Fulminating hyperpyrexia; Pharmacogenic myopathy; RYR1-Related Malignant Hyperthermia Susceptibility; Malignant hyperthermia suceptibility 1. Identifiers: Orphanet 423, MedGen C2930980, MONDO:0007783, OMIM 145600.

Allele frequency attached by ClinVar (database versions not stated): gnomAD exomes below 0.00001.
gnomAD v4.1: 2 of 1,614,100 alleles (0.00012%); highest among the groups gnomAD compares: Non-Finnish European, 0.00017%; no homozygotes.

Submission:

All of Us Research Program, National Institutes of Health
Classification: Likely benign for Malignant hyperthermia, susceptibility to, 1. Last evaluated: 2023-09-17. Review status: criteria provided, single submitter. Criteria: ACMG Guidelines, 2015. Collection method: clinical testing. Allele origin: germline. Inheritance: Autosomal dominant inheritance. Observed: 1 variant allele, 1 heterozygote.
Comment: This study involves interpretation of variants in research participants for the purpose of population health screening. Participant phenotype was not available at the time of variant classification. Additional details can be found in publication PMID: 35346344, PMCID: PMC8962531